The following is an entry in ClinVar:

ClinVar aggregate classification (germline): Uncertain significance. Review status: criteria provided, multiple submitters, no conflicts (2 of 4 stars). 4 submissions from 4 submitters: Uncertain significance (4). Last evaluated 2025-04-11.

Conditions:
Inborn genetic diseases. Identifiers: MedGen C0950123, MeSH D030342.
Glycogen storage disease due to muscle beta-enolase deficiency (GSD13). Also called: ENOLASE 3 DEFICIENCY; ENOLASE-BETA DEFICIENCY; GSD XIII; Glycogen Storage Disease Type XIII. Identifiers: Orphanet 99849, MedGen C2752027, MONDO:0013046, OMIM 612932.
ENO3-related disorder. Also called: ENO3-related condition.

Allele frequency attached by ClinVar (database versions not stated): gnomAD 0.00005; TOPMed 0.00005.
gnomAD v4.1: 13 of 1,614,048 alleles (0.00081%); highest among the groups gnomAD compares: Middle Eastern, 0.016%; no homozygotes.

Submissions (4):

Ambry Genetics
Classification: Uncertain significance for Inborn genetic diseases. Last evaluated: 2025-04-11. Review status: criteria provided, single submitter. Criteria: Ambry Variant Classification Scheme 2023. Collection method: clinical testing. Allele origin: germline.

CeGaT Center for Human Genetics Tuebingen
Classification: Uncertain significance. Last evaluated: 2023-08-01. Review status: criteria provided, single submitter. Criteria: CeGaT Center For Human Genetics Tuebingen Variant Classification Criteria Version 2. Collection method: clinical testing. Allele origin: germline. Affected: yes. Observed: 1 variant allele.
Comment: ENO3: PM2

PreventionGenetics, part of Exact Sciences
Classification: Uncertain significance for ENO3-related condition. Last evaluated: 2023-03-27. Review status: criteria provided, single submitter. Criteria: ACMG Guidelines, 2015. Collection method: clinical testing. Allele origin: germline.
Comment: The ENO3 c.1296G>C variant is predicted to result in the amino acid substitution p.Lys432Asn. To our knowledge, this variant has not been reported in the literature. This variant is reported in 0.012% of alleles in individuals of African descent in gnomAD. At this time, the clinical significance of this variant is uncertain due to the absence of conclusive functional and genetic evidence.

Labcorp Genetics (formerly Invitae), Labcorp
Classification: Uncertain significance for Glycogen storage disease due to muscle beta-enolase deficiency. Last evaluated: 2022-06-16. Review status: criteria provided, single submitter. Criteria: Invitae Variant Classification Sherloc (09022015). Collection method: clinical testing. Allele origin: germline.
Comment: In summary, the available evidence is currently insufficient to determine the role of this variant in disease. Therefore, it has been classified as a Variant of Uncertain Significance. Algorithms developed to predict the effect of missense changes on protein structure and function (SIFT, PolyPhen-2, Align-GVGD) all suggest that this variant is likely to be tolerated. This variant has not been reported in the literature in individuals affected with ENO3-related conditions. This variant is present in population databases (no rsID available, gnomAD 0.01%). This sequence change replaces lysine, which is basic and polar, with asparagine, which is neutral and polar, at codon 432 of the ENO3 protein (p.Lys432Asn).

NM_053013.4(ENO3):c.1296G>C (p.Lys432Asn)

Gene: ENO3 (enolase 3; plus strand). Cytogenetic location: 17p13.2.
Variant type: single nucleotide variant.
Coding change: c.1296G>C on transcript NM_053013.4 (MANE Select); coding-DNA position 1296, G replaced by C.
Protein change: p.Lys432Asn; replaces lysine 432 with asparagine.
Molecular consequence: missense variant.
Genome position (GRCh38, 1-based): chr17:4,957,038, G>C. VCF-style: chr17-4957038-G-C. GRCh37 (hg19) VCF-style: chr17-4860333-G-C.
Other names: c.1167G>C, p.Lys389Asn (NM_001193503.2); c.1296G>C, p.Lys432Asn (NM_001374523.1, NM_001976.5); c.1323G>C, p.Lys441Asn (NM_001374524.1); c.1296G>C (NM_053013.3); short protein forms K389N, K432N, K441N.
Identifiers: ClinVar variation 2163189 (VCV002163189.26), dbSNP rs925086158, ClinGen allele CA287177857.